The following is an entry in ClinVar:

NM_003632.3(CNTNAP1):c.2028C>T (p.Ser676=)

Gene: CNTNAP1 (contactin associated protein 1; plus strand). Cytogenetic location: 17q21.2.
Variant type: single nucleotide variant.
Coding change: c.2028C>T on transcript NM_003632.3 (MANE Select); coding-DNA position 2028, C replaced by T.
Protein change: p.Ser676=; no amino-acid change (serine 676 retained).
Molecular consequence: synonymous variant.
Genome position (GRCh38, 1-based): chr17:42,690,911, C>T. VCF-style: chr17-42690911-C-T. GRCh37 (hg19) VCF-style: chr17-40842929-C-T.
Identifiers: ClinVar variation 2647800 (VCV002647800.24), dbSNP rs2053077933, ClinGen allele CA500223827.

ClinVar aggregate classification (germline): Likely benign (1 of 4 stars; one submission).

Allele frequency attached by ClinVar (database versions not stated): TOPMed below 0.00001; gnomAD 0.00001.

Submission:

CeGaT Center for Human Genetics Tuebingen
Classification: Likely benign. Last evaluated: 2022-11-01. Review status: criteria provided, single submitter. Criteria: CeGaT Center For Human Genetics Tuebingen Variant Classification Criteria Version 2. Collection method: clinical testing. Allele origin: germline. Affected: yes. Observed: 1 variant allele.
Comment: CNTNAP1: BP4, BP7